The following is an entry in ClinVar:

ClinVar aggregate classification (germline): Uncertain significance (1 of 4 stars; one submission).

Submission:

Centre of Medical Genetics, University Hospital Muenster
Classification: Uncertain significance. Last evaluated: 2021-12-09. Review status: criteria provided, single submitter. Criteria: ACMG Guidelines, 2015. Collection method: clinical testing. Allele origin: unknown. Affected: yes. Observed: 1 variant allele, 1 heterozygote.
Comment: ACMG categories: PM1,PM2,BP4

NM_001089.3(ABCA3):c.3279G>C (p.Glu1093Asp)

Gene: ABCA3 (ATP binding cassette subfamily A member 3; minus strand). Cytogenetic location: 16p13.3.
Variant type: single nucleotide variant.
Coding change: c.3279G>C on transcript NM_001089.3 (MANE Select); coding-DNA position 3279, G replaced by C.
Protein change: p.Glu1093Asp; replaces glutamic acid 1093 with aspartic acid.
Molecular consequence: missense variant.
Genome position (GRCh38, 1-based): chr16:2,285,646, C>G on the plus strand (G>C on the coding strand, the complement: ABCA3 is on the minus strand). VCF-style: chr16-2285646-C-G. GRCh37 (hg19) VCF-style: chr16-2335647-C-G.
Other names: short protein forms E1093D.
Identifiers: ClinVar variation 2430323 (VCV002430323.2), dbSNP rs148535912, ClinGen allele CA394317689.